The following is an entry in ClinVar:

NM_001258392.3(CLPB):c.274C>T (p.Pro92Ser)

Genes: CLPB (ClpB family mitochondrial disaggregase; minus strand), LOC130006336 (ATAC-STARR-seq lymphoblastoid active region 5191; plus strand). Cytogenetic location: 11q13.4.
Variant type: single nucleotide variant.
Coding change: c.274C>T on transcript NM_001258392.3 (MANE Select); coding-DNA position 274, C replaced by T.
Protein change: p.Pro92Ser; replaces proline 92 with serine.
Molecular consequence: missense variant.
Genome position (GRCh38, 1-based): chr11:72,434,201, G>A on the plus strand (C>T on the coding strand, the complement: CLPB is on the minus strand). VCF-style: chr11-72434201-G-A. GRCh37 (hg19) VCF-style: chr11-72145245-G-A.
Other names: c.274C>T, p.Pro92Ser (NM_001258393.3, NM_030813.6); c.32C>T, p.Ser11Phe (NM_001258394.3); short protein forms P92S, S11F.
Identifiers: ClinVar variation 3623832 (VCV003623832.2).
Genomic context (GRCh38, chr11:72,434,201, plus strand): 5'-CGGCCCTGCTGGGGACCCCGTTCCAGCTGTCCTGTCCTGGGAGTGTTTCTTCGGGACCAG[G>A]AAGGCGTCCCCAAGTGGCAGCCGCGAGGCATTTGGTATCGAAGCGTCCTCCCTGGCGCCC-3'
Protein context (NP_001245321.1, residues 82-102): CLAAATWGRL[Pro92Ser]GPEETLPGQD

ClinVar aggregate classification (germline): Uncertain significance (1 of 4 stars; one submission).

Conditions:
3-methylglutaconic aciduria, type VIIB (MGCA7B). Also called: 3-methylglutaconic aciduria, type VII, with cataracts, neurologic involvement and neutropenia; CLPB Deficiency; 3-methylglutaconic aciduria with cataracts, neurologic involvement and neutropenia. Identifiers: Orphanet 445038, MedGen C5676893, MONDO:0014561, OMIM 616271.

Submission:

Labcorp Genetics (formerly Invitae), Labcorp
Classification: Uncertain significance for 3-methylglutaconic aciduria, type VIIB. Last evaluated: 2024-03-09. Review status: criteria provided, single submitter. Criteria: Invitae Variant Classification Sherloc (09022015). Collection method: clinical testing. Allele origin: germline.
Comment: This sequence change replaces proline, which is neutral and non-polar, with serine, which is neutral and polar, at codon 92 of the CLPB protein (p.Pro92Ser). This variant is present in population databases (no rsID available, gnomAD 0.003%). This variant has not been reported in the literature in individuals affected with CLPB-related conditions. An algorithm developed to predict the effect of missense changes on protein structure and function (PolyPhen-2) suggests that this variant is likely to be tolerated. In summary, the available evidence is currently insufficient to determine the role of this variant in disease. Therefore, it has been classified as a Variant of Uncertain Significance.